The following is an entry in ClinVar:

ClinVar aggregate classification (germline): Conflicting classifications of pathogenicity. Review status: criteria provided, conflicting classifications (1 of 4 stars). 3 submissions from 3 submitters: Likely pathogenic (1); Uncertain significance (2). Last evaluated 2026-02-18.

Conditions:
Muscular dystrophy-dystroglycanopathy (congenital with brain and eye anomalies), type a, 8 (MDDGA8). Also called: WALKER-WARBURG SYNDROME OR MUSCLE-EYE-BRAIN DISEASE, GTDC2-RELATED. Identifiers: Orphanet 899, MedGen C3553813, MONDO:0013904, OMIM 614830.

Submissions (3):

Dasa
Classification: Uncertain significance. Last evaluated: 2026-02-18. Review status: criteria provided, single submitter. Criteria: DASA Assertion Criteria. Collection method: clinical testing. Allele origin: germline.
Comment: NM_032806.6(POMGNT2):c.607_618del (p.Phe203_Tyr206del) is an in-frame deletion predicted to remove amino acids from phenylalanine at protein position 203 through tyrosine at protein position 206 without shifting the reading frame. This variant is rare in population databases. The currently available literature and clinical evidence are not sufficient to establish a definitive association between this variant and the reported condition. Therefore, this variant is classified as a variant of uncertain significance.

Labcorp Genetics (formerly Invitae), Labcorp
Classification: Uncertain significance for Muscular dystrophy-dystroglycanopathy (congenital with brain and eye anomalies), type a, 8. Last evaluated: 2022-07-20. Review status: criteria provided, single submitter. Criteria: Invitae Variant Classification Sherloc (09022015). Collection method: clinical testing. Allele origin: germline.
Comment: In summary, the available evidence is currently insufficient to determine the role of this variant in disease. Therefore, it has been classified as a Variant of Uncertain Significance. Experimental studies and prediction algorithms are not available or were not evaluated, and the functional significance of this variant is currently unknown. ClinVar contains an entry for this variant (Variation ID: 801963). This variant has not been reported in the literature in individuals affected with POMGNT2-related conditions. This variant is present in population databases (rs774277094, gnomAD 0.0009%). This variant, c.607_618del, results in the deletion of 4 amino acid(s) of the POMGNT2 protein (p.Phe203_Tyr206del), but otherwise preserves the integrity of the reading frame.

Mendelics
Classification: Likely pathogenic for Muscular dystrophy-dystroglycanopathy (congenital with brain and eye anomalies), type a, 8. Last evaluated: 2019-05-28. Review status: criteria provided, single submitter. Criteria: Mendelics Assertion Criteria 2017. Collection method: clinical testing. Allele origin: unknown.

NM_032806.6(POMGNT2):c.607_618del (p.Phe203_Tyr206del)

Gene: POMGNT2 (protein O-linked mannose N-acetylglucosaminyltransferase 2 (beta 1,4-); minus strand). Cytogenetic location: 3p22.1.
Variant type: Deletion.
Coding change: c.607_618del on transcript NM_032806.6 (MANE Select); coding-DNA positions 607 to 618, 12 bases deleted (TTCGACCTCTAC).
Protein change: p.Phe203_Tyr206del.
Molecular consequence: inframe deletion.
Genome position (GRCh38, 1-based): chr3:43,080,814-43,080,825, GTAGAGGTCGAA deleted on the plus strand (TTCGACCTCTAC on the coding strand, the reverse complement: POMGNT2 is on the minus strand); deleting any 12 consecutive bases within chr3:43,080,814-43,080,827 gives the same sequence; the c. name uses the placement nearest the transcript's 3' end. VCF-style (leftmost placement, unchanged base first): chr3-43080813-TGTAGAGGTCGAA-T. GRCh37 (hg19) VCF-style: chr3-43122305-TGTAGAGGTCGAA-T.
Identifiers: ClinVar variation 801963 (VCV000801963.8), dbSNP rs774277094, ClinGen allele CA2340027.